The following is an entry in ClinVar:

ClinVar aggregate classification (germline): Uncertain significance (1 of 4 stars; one submission).

Conditions:
Polyglucosan body myopathy type 2. Identifiers: Orphanet 456369, MedGen C4015452, MONDO:0014526, OMIM 616199.
Glycogen storage disease XV (GSD15). Also called: GLYCOGENIN DEFICIENCY; GSD XV. Identifiers: Orphanet 263297, MedGen C3150754, MONDO:0013291, OMIM 613507.

Allele frequency attached by ClinVar (database versions not stated): gnomAD exomes below 0.00001.
gnomAD v4.1: 3 of 1,604,030 alleles (0.00019%); highest among the groups gnomAD compares: Non-Finnish European, 0.00026%; no homozygotes.

Submission:

Labcorp Genetics (formerly Invitae), Labcorp
Classification: Uncertain significance for Polyglucosan body myopathy type 2; Glycogen storage disease XV. Last evaluated: 2021-08-15. Review status: criteria provided, single submitter. Criteria: Invitae Variant Classification Sherloc (09022015). Collection method: clinical testing. Allele origin: germline.
Comment: Algorithms developed to predict the effect of sequence changes on RNA splicing suggest that this variant may create or strengthen a splice site. Algorithms developed to predict the effect of missense changes on protein structure and function (SIFT, PolyPhen-2, Align-GVGD) all suggest that this variant is likely to be tolerated. This variant has not been reported in the literature in individuals affected with GYG1-related conditions. This variant is not present in population databases (ExAC no frequency). This sequence change replaces glycine with serine at codon 289 of the GYG1 protein (p.Gly289Ser). The glycine residue is weakly conserved and there is a small physicochemical difference between glycine and serine. In summary, the available evidence is currently insufficient to determine the role of this variant in disease. Therefore, it has been classified as a Variant of Uncertain Significance.

NM_004130.4(GYG1):c.865G>A (p.Gly289Ser)

Gene: GYG1 (glycogenin 1; plus strand). Cytogenetic location: 3q24.
Variant type: single nucleotide variant.
Coding change: c.865G>A on transcript NM_004130.4 (MANE Select); coding-DNA position 865, G replaced by A.
Protein change: p.Gly289Ser; replaces glycine 289 with serine.
Molecular consequence: missense variant. On other transcripts: intron variant (2).
Genome position (GRCh38, 1-based): chr3:149,026,488, G>A. VCF-style: chr3-149026488-G-A. GRCh37 (hg19) VCF-style: chr3-148744275-G-A.
Other names: c.829-272G>A (NM_001184720.2); c.609-272G>A (NM_001184721.2); short protein forms G289S.
Identifiers: ClinVar variation 1372891 (VCV001372891.6), dbSNP rs1167301212, ClinGen allele CA354909127.